The following is an entry in ClinVar:

ClinVar aggregate classification (germline): Conflicting classifications of pathogenicity. Review status: criteria provided, conflicting classifications (1 of 4 stars). 3 submissions from 3 submitters: Likely pathogenic (1); Uncertain significance (2). Last evaluated 2022-11-03.

Conditions:
3-Methylglutaconic aciduria type 2 (BTHS). Also called: Barth syndrome; CARDIOSKELETAL MYOPATHY WITH NEUTROPENIA AND ABNORMAL MITOCHONDRIA. Identifiers: Orphanet 111, MedGen C0574083, MONDO:0010543, OMIM 302060.

Submissions (3):

Labcorp Genetics (formerly Invitae), Labcorp
Classification: Uncertain significance for 3-Methylglutaconic aciduria type 2. Last evaluated: 2022-11-03. Review status: criteria provided, single submitter. Criteria: Invitae Variant Classification Sherloc (09022015). Collection method: clinical testing. Allele origin: germline.
Comment: This sequence change replaces lysine, which is basic and polar, with glutamic acid, which is acidic and polar, at codon 264 of the TAZ protein (p.Lys264Glu). This variant is not present in population databases (gnomAD no frequency). This missense change has been observed in individual(s) with clinical features of Barth syndrome (PMID: 29077208). This variant is also known as c.658A>G; p.Lys220Glu. ClinVar contains an entry for this variant (Variation ID: 430910). Algorithms developed to predict the effect of missense changes on protein structure and function are either unavailable or do not agree on the potential impact of this missense change (SIFT: "Deleterious"; PolyPhen-2: "Possibly Damaging"; Align-GVGD: "Class C0"). In summary, the available evidence is currently insufficient to determine the role of this variant in disease. Therefore, it has been classified as a Variant of Uncertain Significance.

GeneDx
Classification: Uncertain significance. Last evaluated: 2017-09-13. Review status: criteria provided, single submitter. Criteria: GeneDx Variant Classification (06012015). Collection method: clinical testing. Allele origin: germline. Affected: yes.
Comment: The K264E variant has not been published as a pathogenic variant, nor has it been reported as a benign variant to our knowledge. The K264E variant is not observed in large population cohorts (Lek et al., 2016; 1000 Genomes Consortium et al., 2015; Exome Variant Server). The K264E variant is a non-conservative amino acid substitution, which is likely to impact secondary protein structure as these residues differ in polarity, charge, size and/or other properties. This substitution occurs at a position that is conserved across species, and in silico analysis predicts this variant is probably damaging to the protein structure/function. In summary, based on the currently available information, it is unclear whether this variant is a pathogenic variant or a rare benign variant.

Department of Immunology, University Hospital Southampton NHSFT
Classification: Likely pathogenic for 3-Methylglutaconic aciduria type 2. Review status: criteria provided, single submitter. Criteria: ACMG Guidelines, 2015. Collection method: clinical testing. Allele origin: germline. Affected: yes.

Literature cited by the submitters: PubMed 29077208 (cited by Labcorp Genetics (formerly Invitae), Labcorp and Department of Immunology, University Hospital Southampton NHSFT).

NM_000116.5(TAFAZZIN):c.790A>G (p.Lys264Glu)

Gene: TAFAZZIN (tafazzin, phospholipid-lysophospholipid transacylase; plus strand). Cytogenetic location: Xq28.
Variant type: single nucleotide variant.
Coding change: c.790A>G on transcript NM_000116.5 (MANE Select); coding-DNA position 790, A replaced by G.
Protein change: p.Lys264Glu; replaces lysine 264 with glutamic acid.
Molecular consequence: missense variant. On other transcripts: non-coding transcript variant (1).
Genome position (GRCh38, 1-based): chrX:154,420,915, A>G. VCF-style: chrX-154420915-A-G. GRCh37 (hg19) VCF-style: chrX-153649254-A-G.
Other names: c.802A>G, p.Lys268Glu (NM_001303465.2); c.700A>G, p.Lys234Glu (NM_181311.4); c.748A>G, p.Lys250Glu (NM_181312.4); c.658A>G, p.Lys220Glu (NM_181313.4); short protein forms K220E, K264E, K250E, K268E, K234E.
Identifiers: ClinVar variation 430910 (VCV000430910.5), dbSNP rs1557194488, ClinGen allele CA415185611.